The following is an entry in ClinVar:

NM_000137.4(FAH):c.364+2T>G

Genes: FAH (fumarylacetoacetate hydrolase; plus strand), LOC112272621 (Sharpr-MPRA regulatory region 12283; plus strand). Cytogenetic location: 15q25.1.
Variant type: single nucleotide variant.
Coding change: c.364+2T>G on transcript NM_000137.4 (MANE Select); the canonical splice donor site of the intron after coding-DNA position 364, T replaced by G.
Molecular consequence: splice donor variant.
Genome position (GRCh38, 1-based): chr15:80,160,461, T>G. VCF-style: chr15-80160461-T-G. GRCh37 (hg19) VCF-style: chr15-80452803-T-G.
Other names: c.364+2T>G (NM_001374377.1, NM_001374380.1).
Identifiers: ClinVar variation 659717 (VCV000659717.7), dbSNP rs1595890740, ClinGen allele CA393619300.

ClinVar aggregate classification (germline): Likely pathogenic (1 of 4 stars; one submission).

Conditions:
Tyrosinemia type I (TYRSN1). Also called: FAH DEFICIENCY; Tyrosinemia type 1; Fumarylacetoacetase deficiency; Deficiency of fumarylacetoacetase; HEPATORENAL TYROSINEMIA. Identifiers: Orphanet 882, MedGen C0268490, MONDO:0010161, OMIM 276700. Disease mechanism: loss of function.

Submission:

Labcorp Genetics (formerly Invitae), Labcorp
Classification: Likely pathogenic for Tyrosinemia type I. Last evaluated: 2022-07-25. Review status: criteria provided, single submitter. Criteria: Invitae Variant Classification Sherloc (09022015). Collection method: clinical testing. Allele origin: germline.
Comment: This variant has not been reported in the literature in individuals affected with FAH-related conditions. This variant is not present in population databases (gnomAD no frequency). This sequence change affects a donor splice site in intron 4 of the FAH gene. It is expected to disrupt RNA splicing. Variants that disrupt the donor or acceptor splice site typically lead to a loss of protein function (PMID: 16199547), and loss-of-function variants in FAH are known to be pathogenic (PMID: 9101289, 9633815). ClinVar contains an entry for this variant (Variation ID: 659717). In summary, the currently available evidence indicates that the variant is pathogenic, but additional data are needed to prove that conclusively. Therefore, this variant has been classified as Likely Pathogenic. Algorithms developed to predict the effect of sequence changes on RNA splicing suggest that this variant may disrupt the consensus splice site.

Literature cited by the submitters: PubMed 16199547; PubMed 9101289; PubMed 9633815.